The following is an entry in ClinVar:

ClinVar aggregate classification (germline): Uncertain significance. Review status: criteria provided, multiple submitters, no conflicts (2 of 4 stars). 2 submissions from 2 submitters: Uncertain significance (2). Last evaluated 2026-07-07.

Conditions:
DICER1-related tumor predisposition. Also called: DICER1 syndrome; DICER1-related pleuropulmonary blastoma cancer predisposition syndrome. Identifiers: Orphanet 284343, MedGen C3839822, MONDO:0100216.
Hereditary cancer-predisposing syndrome. Also called: Neoplastic Syndromes, Hereditary; Hereditary Cancer Syndrome; Hereditary neoplastic syndrome; Tumor predisposition. Identifiers: Orphanet 140162, MedGen C0027672, MeSH D009386, MONDO:0015356.

Allele frequency attached by ClinVar (database versions not stated): gnomAD exomes below 0.00001; ExAC 0.00001.

Submissions (2):

Ambry Genetics
Classification: Uncertain significance for Hereditary cancer-predisposing syndrome. Last evaluated: 2026-07-07. Review status: criteria provided, single submitter. Criteria: Ambry Variant Classification Scheme 2023. Collection method: clinical testing. Allele origin: germline.
Comment: The p.D421G variant (also known as c.1262A>G), located in coding exon 7 of the DICER1 gene, results from an A to G substitution at nucleotide position 1262. The aspartic acid at codon 421 is replaced by glycine, an amino acid with similar properties. This amino acid position is conserved. In addition, this alteration is predicted to be tolerated by in silico analysis. Based on the available evidence, the clinical significance of this variant remains unclear.

Labcorp Genetics (formerly Invitae), Labcorp
Classification: Uncertain significance for DICER1-related tumor predisposition. Last evaluated: 2025-12-08. Review status: criteria provided, single submitter. Criteria: Invitae Variant Classification Sherloc (09022015). Collection method: clinical testing. Allele origin: germline.
Comment: This sequence change replaces aspartic acid, which is acidic and polar, with glycine, which is neutral and non-polar, at codon 421 of the DICER1 protein (p.Asp421Gly). This variant is present in population databases (rs764367623, gnomAD 0.007%). This variant has not been reported in the literature in individuals affected with DICER1-related conditions. ClinVar contains an entry for this variant (Variation ID: 650402). Invitae Evidence Modeling of protein sequence and biophysical properties (such as structural, functional, and spatial information, amino acid conservation, physicochemical variation, residue mobility, and thermodynamic stability) indicates that this missense variant is not expected to disrupt DICER1 protein function with a negative predictive value of 95%. RNA analysis performed to evaluate the impact of this missense change on mRNA splicing indicates it does not significantly alter splicing (internal data). In summary, the available evidence is currently insufficient to determine the role of this variant in disease. Therefore, it has been classified as a Variant of Uncertain Significance.

NM_177438.3(DICER1):c.1262A>G (p.Asp421Gly)

Gene: DICER1 (dicer 1, ribonuclease III; minus strand). Cytogenetic location: 14q32.13.
Variant type: single nucleotide variant.
Coding change: c.1262A>G on transcript NM_177438.3 (MANE Select); coding-DNA position 1262, A replaced by G.
Protein change: p.Asp421Gly; replaces aspartic acid 421 with glycine.
Molecular consequence: missense variant.
Genome position (GRCh38, 1-based): chr14:95,124,310, T>C on the plus strand (A>G on the coding strand, the complement: DICER1 is on the minus strand). VCF-style: chr14-95124310-T-C. GRCh37 (hg19) VCF-style: chr14-95590647-T-C.
Other names: c.1262A>G, p.Asp421Gly (NM_001195573.1, NM_001271282.3, NM_001291628.2 and 1 more transcripts); short protein forms D421G.
Identifiers: ClinVar variation 650402 (VCV000650402.11), dbSNP rs764367623, ClinGen allele CA7331511.
Genomic context (GRCh38, chr14:95,124,310, plus strand): 5'-ATGTTGGTAAAAGGAGAAGGAAAATTTGTCTCTGGCTTCTCTTTTTCTTCAATTTCTTCA[T>C]CCTCATCATCATCCTCAGAATCACTCCATGACACATAATTATCCTGATTTCTATTATTAT-3'
Protein context (NP_803187.1, residues 411-431): SWSDSEDDDE[Asp421Gly]EEIEEKEKPE